The following is an entry in ClinVar:

NM_001844.5(COL2A1):c.3165+43A>G

Gene: COL2A1 (collagen type II alpha 1 chain; minus strand). Cytogenetic location: 12q13.11.
Variant type: single nucleotide variant.
Coding change: c.3165+43A>G on transcript NM_001844.5 (MANE Select); 43 bases into the intron after coding-DNA position 3165, A replaced by G.
Molecular consequence: intron variant.
Genome position (GRCh38, 1-based): chr12:47,977,557, T>C on the plus strand (A>G on the coding strand, the complement: COL2A1 is on the minus strand). VCF-style: chr12-47977557-T-C. GRCh37 (hg19) VCF-style: chr12-48371340-T-C.
Other names: c.2958+43A>G (NM_033150.3).
Identifiers: ClinVar variation 676703 (VCV000676703.1), dbSNP rs41272745, ClinGen allele CA6534855.

ClinVar aggregate classification (germline): Benign (1 of 4 stars; one submission).

Allele frequency attached by ClinVar (database versions not stated): gnomAD exomes 0.00243 and 0.00666; ExAC 0.00848; gnomAD 0.02511 and 0.02677; TOPMed 0.02803; 1000 Genomes Project 0.02975; ESP Exome Variant Server 0.03060; 1000 Genomes Project 30x 0.03232.
gnomAD v4.1: 7,524 of 1,612,782 alleles (0.47%); highest among the groups gnomAD compares: African/African-American, 8.6%; 347 homozygotes.

Submission:

GeneDx
Classification: Benign. Last evaluated: 2018-06-14. Review status: criteria provided, single submitter. Criteria: GeneDx Variant Classification (06012015). Collection method: clinical testing. Allele origin: germline. Affected: yes.
Comment: This variant is considered likely benign or benign based on one or more of the following criteria: it is a conservative change, it occurs at a poorly conserved position in the protein, it is predicted to be benign by multiple in silico algorithms, and/or has population frequency not consistent with disease.